The following is an entry in ClinVar:

ClinVar aggregate classification (germline): Pathogenic (1 of 4 stars; one submission).

Conditions:
Familial thoracic aortic aneurysm and aortic dissection (TAAD). Also called: Thoracic aortic aneurysms and dissections. Identifiers: Orphanet 91387, MedGen C4707243, MONDO:0019625.
Hereditary cancer-predisposing syndrome. Also called: Neoplastic Syndromes, Hereditary; Tumor predisposition; Hereditary Cancer Syndrome; Hereditary neoplastic syndrome. Identifiers: Orphanet 140162, MedGen C0027672, MeSH D009386, MONDO:0015356.

Submission:

Ambry Genetics
Classification: Pathogenic for Hereditary cancer-predisposing syndrome; Familial thoracic aortic aneurysm and aortic dissection. Last evaluated: 2015-09-13. Review status: criteria provided, single submitter. Criteria: Ambry Variant Classification Scheme 2023. Collection method: clinical testing. Allele origin: germline.
Comment: The c.153delA pathogenic mutation, located in coding exon 1 of the SMAD4 gene, results from a deletion of one nucleotide at position 153, causing a translational frameshift with a predicted alternate stop codon. Since frameshifts are typically deleterious in nature, this alteration is interpreted as a disease-causing mutation (ACMG Recommendations for Standards for Interpretation and Reporting of Sequence Variations. Revision 2007. Genet Med. 2008;10:294).

NM_005359.6(SMAD4):c.153del (p.Asp52fs)

Gene: SMAD4 (SMAD family member 4; plus strand). Cytogenetic location: 18q21.2.
Variant type: Deletion.
Coding change: c.153del on transcript NM_005359.6 (MANE Select); coding-DNA position 153, one base deleted (A; older notation c.153delA).
Protein change: p.Asp52fs; shifts the reading frame from aspartic acid 52.
Molecular consequence: frameshift variant.
Genome position (GRCh38, 1-based): chr18:51,047,199, A deleted; the last of 6 consecutive A bases (chr18:51,047,194-51,047,199); deleting any one gives the same sequence. VCF-style (leftmost placement, unchanged base first): chr18-51047193-GA-G. GRCh37 (hg19) VCF-style: chr18-48573563-GA-G.
Other names: c.153delA (NM_005359.5); short protein forms D52fs.
Identifiers: ClinVar variation 233889 (VCV000233889.5), dbSNP rs786203560, ClinGen allele CA10580972.